The following is an entry in ClinVar:

ClinVar aggregate classification (germline): Likely benign. Review status: criteria provided, multiple submitters, no conflicts (2 of 4 stars). 3 submissions from 3 submitters: Likely benign (2). 1 of the submissions does not count toward it. Last evaluated 2024-05-15.

Conditions:
PEX6-related disorder. Also called: PEX6-related condition; PEX6-related disorders.
Peroxisome biogenesis disorder. Identifiers: Orphanet 79189, MedGen C1832200, MONDO:0019234. Disease mechanism: loss of function.

Allele frequency attached by ClinVar (database versions not stated): TOPMed below 0.00001; ExAC 0.00001; gnomAD 0.00001; gnomAD exomes 0.00001.
gnomAD v4.1: 17 of 1,613,572 alleles (0.0011%); highest among the groups gnomAD compares: Middle Eastern, 0.016%; no homozygotes.

Submissions (3):

Labcorp Genetics (formerly Invitae), Labcorp
Classification: Likely benign for Peroxisome biogenesis disorder. Last evaluated: 2024-05-15. Review status: criteria provided, single submitter. Criteria: Invitae Variant Classification Sherloc (09022015). Collection method: clinical testing. Allele origin: germline.

Blueprint Genetics
Classification: Likely benign. Last evaluated: 2017-07-05. Review status: criteria provided, single submitter. Criteria: ACMG Guidelines, 2015. Collection method: clinical testing. Allele origin: germline.

PreventionGenetics, part of Exact Sciences
Classification: Likely benign for PEX6-related condition. Last evaluated: 2024-03-13. Review status: no assertion criteria provided. Collection method: clinical testing. Allele origin: germline. Not counted in ClinVar's aggregate classification.
Comment: This variant is classified as likely benign based on ACMG/AMP sequence variant interpretation guidelines (Richards et al. 2015 PMID: 25741868, with internal and published modifications).

NM_000287.4(PEX6):c.1961+10C>T

Gene: PEX6 (peroxisomal biogenesis factor 6; minus strand). Cytogenetic location: 6p21.1.
Variant type: single nucleotide variant.
Coding change: c.1961+10C>T on transcript NM_000287.4 (MANE Select); 10 bases into the intron after coding-DNA position 1961, C replaced by T.
Molecular consequence: intron variant.
Genome position (GRCh38, 1-based): chr6:42,966,772, G>A on the plus strand (C>T on the coding strand, the complement: PEX6 is on the minus strand). VCF-style: chr6-42966772-G-A. GRCh37 (hg19) VCF-style: chr6-42934510-G-A.
Other names: c.1697+10C>T (NM_001316313.2); c.1961+10C>T (NM_000287.3).
Identifiers: ClinVar variation 1131789 (VCV001131789.11), dbSNP rs779467530, ClinGen allele CA3811170.
Genomic context (GRCh38, chr6:42,966,772, plus strand): 5'-CCCTTCCTCACCACCCACCCATCTACATCCATTTCCTCTTTCCGCCTTTCCGGTGCCCAC[G>A]TCCTCTTACCCTGAGTTCTTGATCCTGGTGCAGGCTGCCCGGCTGCTGTGGGTCAGAAGG-3'